The following is an entry in ClinVar:

ClinVar aggregate classification (germline): Uncertain significance. Review status: criteria provided, multiple submitters, no conflicts (2 of 4 stars). 2 submissions from 2 submitters: Uncertain significance (2). Last evaluated 2025-08-28.

Conditions:
Familial adenomatous polyposis 1 (FAP1). Also called: FAMILIAL ADENOMATOUS POLYPOSIS 1, ATTENUATED; POLYPOSIS, ADENOMATOUS INTESTINAL. Identifiers: MedGen C2713442, MONDO:0021056, OMIM 175100. Disease mechanism: loss of function.
Hereditary cancer-predisposing syndrome. Also called: Tumor predisposition; Hereditary Cancer Syndrome; Hereditary neoplastic syndrome; Neoplastic Syndromes, Hereditary. Identifiers: Orphanet 140162, MedGen C0027672, MeSH D009386, MONDO:0015356.

Allele frequency attached by ClinVar (database versions not stated): gnomAD exomes below 0.00001.
gnomAD v4.1: 3 of 1,613,852 alleles (0.00019%); highest among the groups gnomAD compares: Non-Finnish European, 0.00025%; no homozygotes.

Submissions (2):

Labcorp Genetics (formerly Invitae), Labcorp
Classification: Uncertain significance for Familial adenomatous polyposis 1. Last evaluated: 2025-08-28. Review status: criteria provided, single submitter. Criteria: Invitae Variant Classification Sherloc (09022015). Collection method: clinical testing. Allele origin: germline.
Comment: This sequence change replaces alanine, which is neutral and non-polar, with threonine, which is neutral and polar, at codon 2730 of the APC protein (p.Ala2730Thr). This variant is not present in population databases (gnomAD no frequency). This variant has not been reported in the literature in individuals affected with APC-related conditions. ClinVar contains an entry for this variant (Variation ID: 411522). Invitae Evidence Modeling of protein sequence and biophysical properties (such as structural, functional, and spatial information, amino acid conservation, physicochemical variation, residue mobility, and thermodynamic stability) indicates that this missense variant is not expected to disrupt APC protein function with a negative predictive value of 95%. In summary, the available evidence is currently insufficient to determine the role of this variant in disease. Therefore, it has been classified as a Variant of Uncertain Significance.

Ambry Genetics
Classification: Uncertain significance for Hereditary cancer-predisposing syndrome. Last evaluated: 2024-11-18. Review status: criteria provided, single submitter. Criteria: Ambry Variant Classification Scheme 2023. Collection method: clinical testing. Allele origin: germline.
Comment: The p.A2730T variant (also known as c.8188G>A), located in coding exon 15 of the APC gene, results from a G to A substitution at nucleotide position 8188. The alanine at codon 2730 is replaced by threonine, an amino acid with similar properties. This amino acid position is not well conserved in available vertebrate species. In addition, in silico predictors for this gene do not accurately predict pathogenicity. Missense alterations in APC are not a common cause of disease (Spier I et al. Genet Med. 2024 Feb;26(2):100992). Based on the available evidence, the clinical significance of this variant remains unclear.

NM_000038.6(APC):c.8188G>A (p.Ala2730Thr)

Gene: APC (APC regulator of Wnt signaling pathway; plus strand). Cytogenetic location: 5q22.2.
Variant type: single nucleotide variant.
Coding change: c.8188G>A on transcript NM_000038.6 (MANE Select); coding-DNA position 8188, G replaced by A.
Protein change: p.Ala2730Thr; replaces alanine 2730 with threonine.
Molecular consequence: missense variant.
Genome position (GRCh38, 1-based): chr5:112,843,782, G>A. VCF-style: chr5-112843782-G-A. GRCh37 (hg19) VCF-style: chr5-112179479-G-A.
Other names: c.8188G>A, p.Ala2730Thr (NM_001127510.3, NM_001354895.2); c.8134G>A, p.Ala2712Thr (NM_001127511.3); c.8242G>A, p.Ala2748Thr (NM_001354896.2); c.8218G>A, p.Ala2740Thr (NM_001354897.2); c.8113G>A, p.Ala2705Thr (NM_001354898.2); c.8104G>A, p.Ala2702Thr (NM_001354899.2); c.8065G>A, p.Ala2689Thr (NM_001354900.2); c.8011G>A, p.Ala2671Thr (NM_001354901.2); and 5 more; short protein forms A2712T, A2730T, A2570T, A2629T, A2702T, A2447T, A2671T, A2689T.
Identifiers: ClinVar variation 411522 (VCV000411522.13), dbSNP rs1060503348, ClinGen allele CA16039105.
Genomic context (GRCh38, chr5:112,843,782, plus strand): 5'-AGTGTTCCCATGCGTACCGTGGGTTTGGAAAATCGCCTGAACTCCTTTATTCAGGTGGAT[G>A]CCCCTGACCAAAAAGGAACTGAGATAAAACCAGGACAAAATAATCCTGTCCCTGTATCAG-3'
Protein context (NP_000029.2, residues 2720-2740): NRLNSFIQVD[Ala2730Thr]PDQKGTEIKP